The following is an entry in ClinVar:

NM_000081.4(LYST):c.7392G>C (p.Met2464Ile)

Gene: LYST (lysosomal trafficking regulator; minus strand). Cytogenetic location: 1q42.3.
Variant type: single nucleotide variant.
Coding change: c.7392G>C on transcript NM_000081.4 (MANE Select); coding-DNA position 7392, G replaced by C.
Protein change: p.Met2464Ile; replaces methionine 2464 with isoleucine.
Molecular consequence: missense variant.
Genome position (GRCh38, 1-based): chr1:235,753,112, C>G on the plus strand (G>C on the coding strand, the complement: LYST is on the minus strand). VCF-style: chr1-235753112-C-G. GRCh37 (hg19) VCF-style: chr1-235916412-C-G.
Other names: c.7392G>C, p.Met2464Ile (NM_001301365.1); short protein forms M2464I.
Identifiers: ClinVar variation 1520974 (VCV001520974.4), dbSNP rs373798957, ClinGen allele CA1466150.
Genomic context (GRCh38, chr1:235,753,112, plus strand): 5'-TAATCCATTCAGGGCTGCTACTGTATTACATAACACATAGAGTAGACCATTATCCAGCAA[C>G]ATATCTGCTACCTTAGAACAAGAATTTAAAATTTGGAGAAGAAGTAAAAGAGCATTATGC-3'
Protein context (NP_000072.2, residues 2454-2474): ILNSCSKVAD[Met2464Ile]LLDNGLLYVL

ClinVar aggregate classification (germline): Uncertain significance (1 of 4 stars; one submission).

Conditions:
Chédiak-Higashi syndrome (CHS). Also called: Chediak-Higashi Syndrome. Identifiers: Orphanet 167, MedGen C0007965, MONDO:0008963, OMIM 214500.

Allele frequency attached by ClinVar (database versions not stated): TOPMed below 0.00001; ExAC 0.00001; ESP Exome Variant Server 0.00008.

Submission:

Labcorp Genetics (formerly Invitae), Labcorp
Classification: Uncertain significance for Chédiak-Higashi syndrome. Last evaluated: 2022-08-23. Review status: criteria provided, single submitter. Criteria: Invitae Variant Classification Sherloc (09022015). Collection method: clinical testing. Allele origin: germline.
Comment: In summary, the available evidence is currently insufficient to determine the role of this variant in disease. Therefore, it has been classified as a Variant of Uncertain Significance. Algorithms developed to predict the effect of missense changes on protein structure and function (SIFT, PolyPhen-2, Align-GVGD) all suggest that this variant is likely to be tolerated. ClinVar contains an entry for this variant (Variation ID: 1520974). This variant has not been reported in the literature in individuals affected with LYST-related conditions. This variant is present in population databases (rs373798957, gnomAD 0.0009%). This sequence change replaces methionine, which is neutral and non-polar, with isoleucine, which is neutral and non-polar, at codon 2464 of the LYST protein (p.Met2464Ile).